The following is an entry in ClinVar:

NM_001006658.3(CR2):c.2519G>C (p.Arg840Pro)

Gene: CR2 (complement C3d receptor 2; plus strand). Cytogenetic location: 1q32.2.
Variant type: single nucleotide variant.
Coding change: c.2519G>C on transcript NM_001006658.3 (MANE Select); coding-DNA position 2519, G replaced by C.
Protein change: p.Arg840Pro; replaces arginine 840 with proline.
Molecular consequence: missense variant.
Genome position (GRCh38, 1-based): chr1:207,475,019, G>C. VCF-style: chr1-207475019-G-C. GRCh37 (hg19) VCF-style: chr1-207648364-G-C.
Other names: c.2342G>C, p.Arg781Pro (NM_001877.5); short protein forms R781P, R840P.
Identifiers: ClinVar variation 1426897 (VCV001426897.6), dbSNP rs201254169, ClinGen allele CA344538451.

ClinVar aggregate classification (germline): Uncertain significance (1 of 4 stars; one submission).

Conditions:
Immunodeficiency, common variable, 7. Identifiers: Orphanet 1572, Orphanet 696894, MedGen C3542922, MONDO:0013862, OMIM 614699.

gnomAD v4.1: 1 of 1,614,068 alleles (0.000062%); highest among the groups gnomAD compares: East Asian, 0.0022%; no homozygotes.

Submission:

Labcorp Genetics (formerly Invitae), Labcorp
Classification: Uncertain significance for Immunodeficiency, common variable, 7. Last evaluated: 2022-10-05. Review status: criteria provided, single submitter. Criteria: Invitae Variant Classification Sherloc (09022015). Collection method: clinical testing. Allele origin: germline.
Comment: This sequence change replaces arginine, which is basic and polar, with proline, which is neutral and non-polar, at codon 840 of the CR2 protein (p.Arg840Pro). In summary, the available evidence is currently insufficient to determine the role of this variant in disease. Therefore, it has been classified as a Variant of Uncertain Significance. Algorithms developed to predict the effect of missense changes on protein structure and function output the following: SIFT: "Tolerated"; PolyPhen-2: "Benign"; Align-GVGD: "Class C0". The proline amino acid residue is found in multiple mammalian species, which suggests that this missense change does not adversely affect protein function. ClinVar contains an entry for this variant (Variation ID: 1426897). This variant has not been reported in the literature in individuals affected with CR2-related conditions. This variant is not present in population databases (gnomAD no frequency).